The following is an entry in ClinVar:

NM_001294.4(CLPTM1):c.464C>T (p.Pro155Leu)

Gene: CLPTM1 (CLPTM1 regulator of GABA type A receptor forward trafficking; plus strand). Cytogenetic location: 19q13.32.
Variant type: single nucleotide variant.
Coding change: c.464C>T on transcript NM_001294.4 (MANE Select); coding-DNA position 464, C replaced by T.
Protein change: p.Pro155Leu; replaces proline 155 with leucine.
Molecular consequence: missense variant.
Genome position (GRCh38, 1-based): chr19:44,974,593, C>T. VCF-style: chr19-44974593-C-T. GRCh37 (hg19) VCF-style: chr19-45477850-C-T.
Other names: c.422C>T, p.Pro141Leu (NM_001282175.2); c.158C>T, p.Pro53Leu (NM_001282176.2); short protein forms P141L, P155L, P53L.
Identifiers: ClinVar variation 2630902 (VCV002630902.2), dbSNP rs2513600911, ClinGen allele CA406302288.

ClinVar aggregate classification (germline): Uncertain significance (1 of 4 stars; one submission).

Conditions:
CLPTM1-related disorder. Also called: CLPTM1-related condition.

Submission:

PreventionGenetics, part of Exact Sciences
Classification: Uncertain significance for CLPTM1-related condition. Last evaluated: 2026-05-08. Review status: criteria provided, single submitter. Criteria: ACMG Guidelines, 2015. Collection method: clinical testing. Allele origin: germline.
Comment: The CLPTM1 c.464C>T variant is predicted to result in the amino acid substitution p.Pro155Leu. To our knowledge, this variant has not been reported in the literature or in a large population database (gnomAD), indicating this variant is rare. At this time, the clinical significance of this variant is uncertain due to the absence of conclusive functional and genetic evidence.